The following is an entry in ClinVar:

NM_000074.3(CD40LG):c.431del (p.Gly144fs)

Gene: CD40LG (CD40 ligand; plus strand). Cytogenetic location: Xq26.3.
Variant type: Deletion.
Coding change: c.431del on transcript NM_000074.3 (MANE Select); coding-DNA position 431, one base deleted (G; older notation c.431delG).
Protein change: p.Gly144fs; shifts the reading frame from glycine 144.
Molecular consequence: frameshift variant.
Genome position (GRCh38, 1-based): chrX:136,659,060, G deleted; the last of 2 consecutive G bases (chrX:136,659,059-136,659,060); deleting either gives the same sequence. VCF-style (leftmost placement, unchanged base first): chrX-136659058-AG-A. GRCh37 (hg19) VCF-style: chrX-135741217-AG-A.
Other names: short protein forms G144fs.
Identifiers: ClinVar variation 2013065 (VCV002013065.4), dbSNP rs2522117728, ClinGen allele CA2580101584.

ClinVar aggregate classification (germline): Pathogenic (1 of 4 stars; one submission).

Conditions:
Hyper-IgM syndrome type 1. Also called: Hyper-IgM Immunodeficiency Syndrome, Type 1; CD40 Ligand Deficiency; X-linked hyper-IgM syndrome; Immunodeficiency, X-linked, with hyper-IgM. Identifiers: Orphanet 101088, MedGen C0398689, MONDO:0010626, OMIM 308230.

Submission:

Labcorp Genetics (formerly Invitae), Labcorp
Classification: Pathogenic for Hyper-IgM syndrome type 1. Last evaluated: 2023-10-08. Review status: criteria provided, single submitter. Criteria: Invitae Variant Classification Sherloc (09022015). Collection method: clinical testing. Allele origin: germline.
Comment: This sequence change creates a premature translational stop signal (p.Gly144Aspfs*5) in the CD40LG gene. While this is not anticipated to result in nonsense mediated decay, it is expected to disrupt the last 118 amino acid(s) of the CD40LG protein. This variant is not present in population databases (gnomAD no frequency). This premature translational stop signal has been observed in individual(s) with hyper IgM syndrome (PMID: 30053428). ClinVar contains an entry for this variant (Variation ID: 2013065). This variant disrupts a region of the CD40LG protein in which other variant(s) (p.Gly257Asp) have been determined to be pathogenic (PMID: 10366125; Invitae). This suggests that this is a clinically significant region of the protein, and that variants that disrupt it are likely to be disease-causing. For these reasons, this variant has been classified as Pathogenic.

Literature cited by the submitters: PubMed 30053428; PubMed 10366125.